The following is an entry in ClinVar:

NM_000094.4(COL7A1):c.2017G>T (p.Glu673Ter)

Gene: COL7A1 (collagen type VII alpha 1 chain; minus strand). Cytogenetic location: 3p21.31.
Variant type: single nucleotide variant.
Coding change: c.2017G>T on transcript NM_000094.4 (MANE Select); coding-DNA position 2017, G replaced by T.
Protein change: p.Glu673Ter; replaces glutamic acid 673 with a stop codon.
Molecular consequence: nonsense.
Genome position (GRCh38, 1-based): chr3:48,590,246, C>A on the plus strand (G>T on the coding strand, the complement: COL7A1 is on the minus strand). VCF-style: chr3-48590246-C-A. GRCh37 (hg19) VCF-style: chr3-48627679-C-A.
Other names: short protein forms E673*.
Identifiers: ClinVar variation 5013311 (VCV005013311.1).
Genomic context (GRCh38, chr3:48,590,246, plus strand): 5'-AGCCAAGGGACGGGGGCAGGGCCTGACCCGTTCGAGCCACGATGACTGCAGCAGGGCCCT[C>A]CTCTCTGCCTCGCAGTACCGACACAGCCACCTGGTAGGTGGTTCCAGGCTGCAGCCCTGT-3'

ClinVar aggregate classification (germline): Pathogenic (1 of 4 stars; one submission).

Conditions:
Recessive dystrophic epidermolysis bullosa (RDEB). Also called: DYSTROPHIC EPIDERMOLYSIS BULLOSA, AUTOSOMAL RECESSIVE; EPIDERMOLYSIS BULLOSA DYSTROPHICA, HALLOPEAU-SIEMENS TYPE; Hallopeau-Siemens Disease; severe generalized recessive dystrophic epidermolysis bullosa; EPIDERMOLYSIS BULLOSA DYSTROPHICA, GENERALIZED SEVERE, AUTOSOMAL RECESSIVE; Epidermolysis Bullosa Distrophica Autosomal Recessive (RDEB). Identifiers: Orphanet 79408, Orphanet 79409, MedGen C0079474, MONDO:0009179, OMIM 226600.

gnomAD v4.1: 7 of 1,613,764 alleles (0.00043%); highest among the groups gnomAD compares: Non-Finnish European, 0.00059%; no homozygotes.

Submission:

Myriad Genetics, Inc.
Classification: Pathogenic for Recessive dystrophic epidermolysis bullosa. Last evaluated: 2024-07-14. Review status: criteria provided, single submitter. Criteria: Myriad Autosomal Dominant, Autosomal Recessive and X-Linked Classification Criteria (2023). Collection method: clinical testing. Allele origin: unknown.
Comment: NM_000094.3(COL7A1):c.2017G>T(E673*) is expected to be pathogenic in the context of dystrophic epidermolysis bullosa. This variant is predicted to lead to an abnormal or absent protein product due to the creation of a premature termination codon in COL7A1, a gene where loss-of-function variants are known to be pathogenic. Please note: this variant was assessed in the context of healthy population screening.